The following is an entry in ClinVar:

NM_194454.3(KRIT1):c.1919_1920insTTTTTTTTTTTTTTTTTTTTNNNNNNNNNNCTGGGTTCACGCCATTCTCCTGCCTCAGCCTCCCGAGTAGCTGGGACTACAGGCGCCCGCCACCGCGCCCGGCCGGAGCAGCATTTTT (p.Phe640_Thr641insPhePhePhePhePhePheXaaXaaXaaXaaTrpValHisAlaIleLeuLeuProGlnProProGluTer)

Gene: KRIT1 (KRIT1 ankyrin repeat containing; minus strand). Cytogenetic location: 7q21.2.
Variant type: Microsatellite.
Coding change: c.1919_1920insTTTTTTTTTTTTTTTTTTTTNNNNNNNNNNCTGGGTTCACGCCATTCTCCTGCCTCAGCCTCCCGAGTAGCTGGGACTACAGGCGCCCGCCACCGCGCCCGGCCGGAGCAGCATTTTT on transcript NM_194454.3 (MANE Select); coding-DNA positions 1919 to 1920, TTTTTTTTTTTTTTTTTTTTNNNNNNNNNNCTGGGTTCACGCCATTCTCCTGCCTCAGCCTCCCGAGTAGCTGGGACTACAGGCGCCCGCCACCGCGCCCGGCCGGAGCAGCATTTTT inserted.
Protein change: p.Phe640_Thr641insPhePhePhePhePhePheXaaXaaXaaXaaTrpValHisAlaIleLeuLeuProGlnProProGluTer.
Molecular consequence: nonsense.
Genome position: GRCh38: chr7:92,213,301-92,213,314. GRCh37 (hg19), VCF-style position (the base before the change): chr7:91,842,614.
Other names: c.1775_1776insTTTTTTTTTTTTTTTTTTTTNNNNNNNNNNCTGGGTTCACGCCATTCTCCTGCCTCAGCCTCCCGAGTAGCTGGGACTACAGGCGCCCGCCACCGCGCCCGGCCGGAGCAGCATTTTT, p.Phe592_Thr593insPhePhePhePhePhePheXaaXaaXaaXaaTrpValHisAlaIleLeuLeuProGlnProProGluTer (NM_001013406.2, NM_001350669.1, NM_001350670.1); c.1205_1206insTTTTTTTTTTTTTTTTTTTTNNNNNNNNNNCTGGGTTCACGCCATTCTCCTGCCTCAGCCTCCCGAGTAGCTGGGACTACAGGCGCCCGCCACCGCGCCCGGCCGGAGCAGCATTTTT, p.Phe402_Thr403insPhePhePhePhePhePheXaaXaaXaaXaaTrpValHisAlaIleLeuLeuProGlnProProGluTer (NM_001350671.1); c.1919_1920insTTTTTTTTTTTTTTTTTTTTNNNNNNNNNNCTGGGTTCACGCCATTCTCCTGCCTCAGCCTCCCGAGTAGCTGGGACTACAGGCGCCCGCCACCGCGCCCGGCCGGAGCAGCATTTTT, p.Phe640_Thr641insPhePhePhePhePhePheXaaXaaXaaXaaTrpValHisAlaIleLeuLeuProGlnProProGluTer (NM_001350672.1, NM_001350673.1, NM_001350674.1 and 26 more transcripts).
Identifiers: ClinVar variation 3726297 (VCV003726297.2).

ClinVar aggregate classification (germline): Pathogenic (1 of 4 stars; one submission).

Conditions:
Cerebral cavernous malformation (CCM). Also called: Cavernous Hemangioma of Brain; Cerebral cavernous hemangioma (type); CAVERNOUS ANGIOMA, FAMILIAL; CAVERNOUS ANGIOMATOUS MALFORMATIONS; CEREBRAL CAPILLARY MALFORMATIONS; Cerebral cavernous malformations. Identifiers: Orphanet 221061, MedGen C2919945, MONDO:0000820, OMIM 116860, HP:0033522.

Submission:

Labcorp Genetics (formerly Invitae), Labcorp
Classification: Pathogenic for Cerebral cavernous malformation. Last evaluated: 2024-11-27. Review status: criteria provided, single submitter. Criteria: Invitae Variant Classification Sherloc (09022015). Collection method: clinical testing. Allele origin: germline.
Comment: This sequence change inserts a large fragment of DNA, likely a transposable element, in exon 18 of the KRIT1 gene (c.1919_1920ins?), causing a frameshift at codon 641 (p.Thr641fs). The exact size and sequence of the insertion cannot be determined by the current assay. However, the insertion is expected to result in an absent or disrupted protein product. This variant is not present in population databases (gnomAD no frequency). This variant has not been reported in the literature in individuals affected with KRIT1-related conditions. Retrotransposon insertions including LINE1 (L1), Alu, and SVA (SINE-VNTR-Alu) have been reported to be disease-causing through disruption of either a coding region or splice site (PMID: 19763152, 20307669, 22406018) and loss-of-function variants in KRIT1 are known to be pathogenic (PMID: 10508515, 11222804, 12404106, 24689081). For these reasons, this variant has been classified as Pathogenic.

Literature cited by the submitters: PubMed 19763152; PubMed 20307669; PubMed 22406018; PubMed 10508515; PubMed 11222804; PubMed 12404106; PubMed 24689081.